The following is an entry in ClinVar:

NM_182961.4(SYNE1):c.14695T>C (p.Trp4899Arg)

Gene: SYNE1 (spectrin repeat containing nuclear envelope protein 1; minus strand). Cytogenetic location: 6q25.2.
Variant type: single nucleotide variant.
Coding change: c.14695T>C on transcript NM_182961.4 (MANE Select); coding-DNA position 14695, T replaced by C.
Protein change: p.Trp4899Arg; replaces tryptophan 4899 with arginine.
Molecular consequence: missense variant.
Genome position (GRCh38, 1-based): chr6:152,329,990, A>G on the plus strand (T>C on the coding strand, the complement: SYNE1 is on the minus strand). VCF-style: chr6-152329990-A-G. GRCh37 (hg19) VCF-style: chr6-152651125-A-G.
Other names: c.14482T>C, p.Trp4828Arg (NM_033071.5); short protein forms W4828R, W4899R.
Identifiers: ClinVar variation 576482 (VCV000576482.8), dbSNP rs753891807, ClinGen allele CA4055960.

ClinVar aggregate classification (germline): Uncertain significance (1 of 4 stars; one submission).

Conditions:
Emery-Dreifuss muscular dystrophy 4, autosomal dominant (EDMD4). Also called: EMERY-DREIFUSS MUSCULAR DYSTROPHY 4 WITH VARIABLE FEATURES. Identifiers: Orphanet 261, MedGen C2751807, MONDO:0013071, OMIM 612998.
Autosomal recessive ataxia, Beauce type. Also called: SYNE1-Related Autosomal Recessive Cerebellar Ataxia; Spinocerebellar ataxia, autosomal recessive 8; ATAXIA, RECESSIVE, OF BEAUCE; SYNE1 Deficiency. Identifiers: Orphanet 88644, MedGen C1853116, MONDO:0012549, OMIM 610743.

Allele frequency attached by ClinVar (database versions not stated): gnomAD exomes below 0.00001 and 0.00001; ExAC 0.00001.
gnomAD v4.1: 3 of 1,614,200 alleles (0.00019%); highest among the groups gnomAD compares: Non-Finnish European, 0.00025%; no homozygotes.

Submission:

Labcorp Genetics (formerly Invitae), Labcorp
Classification: Uncertain significance for Emery-Dreifuss muscular dystrophy 4, autosomal dominant; Autosomal recessive ataxia, Beauce type. Last evaluated: 2021-01-15. Review status: criteria provided, single submitter. Criteria: Invitae Variant Classification Sherloc (09022015). Collection method: clinical testing. Allele origin: germline.
Comment: In summary, the available evidence is currently insufficient to determine the role of this variant in disease. Therefore, it has been classified as a Variant of Uncertain Significance. Algorithms developed to predict the effect of missense changes on protein structure and function (SIFT, PolyPhen-2, Align-GVGD) all suggest that this variant is likely to be disruptive, but these predictions have not been confirmed by published functional studies and their clinical significance is uncertain. This variant has not been reported in the literature in individuals with SYNE1-related disease. This variant is present in population databases (rs753891807, ExAC 0.001%). This sequence change replaces tryptophan with arginine at codon 4828 of the SYNE1 protein (p.Trp4828Arg). The tryptophan residue is highly conserved and there is a moderate physicochemical difference between tryptophan and arginine.